The following is an entry in ClinVar:

ClinVar aggregate classification (germline): Likely benign (1 of 4 stars; one submission).

Submission:

GeneDx
Classification: Likely benign. Last evaluated: 2016-02-22. Review status: criteria provided, single submitter. Criteria: GeneDx Variant Classification (06012015). Collection method: clinical testing. Allele origin: germline. Affected: yes.
Comment: This variant is considered likely benign or benign based on one or more of the following criteria: it is a conservative change, it occurs at a poorly conserved position in the protein, it is predicted to be benign by multiple in silico algorithms, and/or has population frequency not consistent with disease.

NM_006393.3(NEBL):c.480+15_480+16del

Gene: NEBL (nebulette; minus strand). Cytogenetic location: 10p12.31.
Variant type: Deletion.
Coding change: c.480+15_480+16del on transcript NM_006393.3 (MANE Select); bases 15 to 16 of the intron after coding-DNA position 480, 2 bases deleted (TT; older notation c.480+15_480+16delTT).
Molecular consequence: intron variant.
Genome position (GRCh38, 1-based): chr10:20,880,778-20,880,779, AA deleted on the plus strand (TT on the coding strand, the reverse complement: NEBL is on the minus strand); deleting any 2 consecutive bases within chr10:20,880,778-20,880,780 gives the same sequence; the c. name uses the placement nearest the transcript's 3' end. VCF-style (leftmost placement, unchanged base first): chr10-20880777-GAA-G. GRCh37 (hg19) VCF-style: chr10-21169706-GAA-G.
Other names: c.250-67839_250-67838del (NM_001377326.1, NM_001377327.1, NM_001377328.1); c.358-67839_358-67838del (NM_213569.2, NM_001173484.2, NM_001377322.1); c.301-67839_301-67838del (NM_001377324.1); c.292-67839_292-67838del (NM_001377325.1); c.310-67839_310-67838del (NM_001377323.1); c.480+15_480+16delTT (NM_006393.2).
Identifiers: ClinVar variation 420534 (VCV000420534.1), dbSNP rs1064794541, ClinGen allele CA16618950.